The following is an entry in ClinVar:

NM_002181.4(IHH):c.227A>C (p.Glu76Ala)

Gene: IHH (Indian hedgehog signaling molecule; minus strand). Cytogenetic location: 2q35.
Variant type: single nucleotide variant.
Coding change: c.227A>C on transcript NM_002181.4 (MANE Select); coding-DNA position 227, A replaced by C.
Protein change: p.Glu76Ala; replaces glutamic acid 76 with alanine.
Molecular consequence: missense variant.
Genome position (GRCh38, 1-based): chr2:219,060,241, T>G on the plus strand (A>C on the coding strand, the complement: IHH is on the minus strand). VCF-style: chr2-219060241-T-G. GRCh37 (hg19) VCF-style: chr2-219924963-T-G.
Other names: short protein forms E76A.
Identifiers: ClinVar variation 334446 (VCV000334446.7), dbSNP rs576284122, ClinGen allele CA2116750.

ClinVar aggregate classification (germline): Conflicting classifications of pathogenicity. Review status: criteria provided, conflicting classifications (1 of 4 stars). 3 submissions from 3 submitters: Uncertain significance (2); Benign (1). Last evaluated 2025-10-15.

Conditions:
Inborn genetic diseases. Identifiers: MedGen C0950123, MeSH D030342.
Brachydactyly type A1. Also called: FARABEE-TYPE BRACHYDACTYLY; SHORT STATURE WITH NONSPECIFIC SKELETAL ABNORMALITIES 2. Identifiers: Orphanet 93388, MedGen C1862151, MONDO:0007215, OMIM 112500, HP:0009371.

Allele frequency attached by ClinVar (database versions not stated): gnomAD below 0.00001 and 0.00005; TOPMed below 0.00001; gnomAD exomes 0.00005 and 0.00010; ExAC 0.00008; 1000 Genomes Project 30x 0.00016; 1000 Genomes Project 0.00020.

Submissions (3):

Ambry Genetics
Classification: Uncertain significance for Inborn genetic diseases. Last evaluated: 2025-10-15. Review status: criteria provided, single submitter. Criteria: Ambry Variant Classification Scheme 2023. Collection method: clinical testing. Allele origin: germline.

Labcorp Genetics (formerly Invitae), Labcorp
Classification: Uncertain significance. Last evaluated: 2025-10-08. Review status: criteria provided, single submitter. Criteria: Invitae Variant Classification Sherloc (09022015). Collection method: clinical testing. Allele origin: germline.
Comment: This sequence change replaces glutamic acid, which is acidic and polar, with alanine, which is neutral and non-polar, at codon 76 of the IHH protein (p.Glu76Ala). This variant is present in population databases (rs576284122, gnomAD 0.08%). This variant has not been reported in the literature in individuals affected with IHH-related conditions. ClinVar contains an entry for this variant (Variation ID: 334446). Invitae Evidence Modeling of protein sequence and biophysical properties (such as structural, functional, and spatial information, amino acid conservation, physicochemical variation, residue mobility, and thermodynamic stability) has been performed for this missense variant. However, the output from this modeling did not meet the statistical confidence thresholds required to predict the impact of this variant on IHH protein function. In summary, the available evidence is currently insufficient to determine the role of this variant in disease. Therefore, it has been classified as a Variant of Uncertain Significance.

Illumina Laboratory Services, Illumina
Classification: Benign for Brachydactyly type A1. Last evaluated: 2018-01-13. Review status: criteria provided, single submitter. Criteria: ICSL Variant Classification Criteria 13 December 2019. Collection method: clinical testing. Allele origin: germline.
Comment: This variant was observed in the ICSL laboratory as part of a predisposition screen in an ostensibly healthy population. It had not been previously curated by ICSL or reported in the Human Gene Mutation Database (HGMD: prior to June 1st, 2018), and was therefore a candidate for classification through an automated scoring system. Utilizing variant allele frequency, disease prevalence and penetrance estimates, and inheritance mode, an automated score was calculated to assess if this variant is too frequent to cause the disease. Based on the score and internal cut-off values, a variant classified as benign is not then subjected to further curation. The score for this variant resulted in a classification of benign for this disease.